The following is an entry in ClinVar:

ClinVar aggregate classification (germline): Likely pathogenic. Review status: criteria provided, multiple submitters, no conflicts (2 of 4 stars). 3 submissions from 3 submitters: Likely pathogenic (2). 1 of the submissions does not count toward it. Last evaluated 2025-04-04.

Conditions:
Pituitary hormone deficiency, combined, 2. Also called: PROP1-Related Combined Pituitary Hormone Deficiency; ATELIOTIC DWARFISM WITH HYPOGONADISM; HANHART DWARFISM; PITUITARY DWARFISM III. Identifiers: MedGen C0878683, MONDO:0009878, OMIM 262600.

Submissions (3):

Natera, Inc.
Classification: Likely pathogenic for Combined pituitary hormone deficiency type 2. Last evaluated: 2025-04-04. Review status: criteria provided, single submitter. Criteria: Natera Variant Classification Schema (03/2026). Collection method: clinical testing. Allele origin: germline.
Comment: The c.629dup variant in PROP1 is a frameshift variant predicted to shift the reading frame beginning at codon 211 and leads to a stop codon 10 codons downstream. This variant is expected to result in nonsense mediated decay, truncation, or a dysfunctional protein product. This variant is rare in the general population with a frequency below the threshold expected for the associated phenotype(s). Given the available evidence, this variant is classified as Likely Pathogenic.

Baylor Genetics
Classification: Likely pathogenic for Pituitary hormone deficiency, combined, 2. Last evaluated: 2022-11-19. Review status: criteria provided, single submitter. Criteria: ACMG Guidelines, 2015. Collection method: clinical testing. Allele origin: unknown.

Counsyl
Classification: Uncertain significance for Pituitary hormone deficiency, combined, 2. Last evaluated: 2018-03-26. Review status: no assertion criteria provided. Collection method: clinical testing. Allele origin: unknown. Not counted in ClinVar's aggregate classification.

NM_006261.5(PROP1):c.629dup (p.Pro211fs)

Gene: PROP1 (PROP paired-like homeobox 1; minus strand). Cytogenetic location: 5q35.3.
Variant type: Duplication.
Coding change: c.629dup on transcript NM_006261.5 (MANE Select); coding-DNA position 629, one base duplicated (C; older notation c.629dupC).
Protein change: p.Pro211fs; shifts the reading frame from proline 211.
Molecular consequence: frameshift variant.
Genome position (GRCh38, 1-based): chr5:177,992,761, G duplicated on the plus strand (C on the coding strand, the reverse complement: PROP1 is on the minus strand); the first of 6 consecutive G bases (chr5:177,992,761-177,992,766); duplicating any one gives the same sequence. VCF-style (leftmost placement, unchanged base first): chr5-177992760-T-TG. GRCh37 (hg19) VCF-style: chr5-177419761-T-TG.
Other names: c.629dup (NM_006261.4); c.629dupC (NM_006261.4); short protein forms P211fs.
Identifiers: ClinVar variation 557462 (VCV000557462.5), dbSNP rs761018422, ClinGen allele CA658822669.